The following is an entry in ClinVar:

ClinVar aggregate classification (germline): Uncertain significance (1 of 4 stars; one submission).

Submission:

Labcorp Genetics (formerly Invitae), Labcorp
Classification: Uncertain significance. Last evaluated: 2023-03-04. Review status: criteria provided, single submitter. Criteria: Invitae Variant Classification Sherloc (09022015). Collection method: clinical testing. Allele origin: germline.
Comment: This sequence change replaces threonine, which is neutral and polar, with isoleucine, which is neutral and non-polar, at codon 259 of the TBX20 protein (p.Thr259Ile). This variant is not present in population databases (gnomAD no frequency). This variant has not been reported in the literature in individuals affected with TBX20-related conditions. Advanced modeling of protein sequence and biophysical properties (such as structural, functional, and spatial information, amino acid conservation, physicochemical variation, residue mobility, and thermodynamic stability) performed at Invitae indicates that this missense variant is expected to disrupt TBX20 protein function. In summary, the available evidence is currently insufficient to determine the role of this variant in disease. Therefore, it has been classified as a Variant of Uncertain Significance.

NM_001077653.2(TBX20):c.776C>T (p.Thr259Ile)

Gene: TBX20 (T-box transcription factor 20; minus strand). Cytogenetic location: 7p14.2.
Variant type: single nucleotide variant.
Coding change: c.776C>T on transcript NM_001077653.2 (MANE Select); coding-DNA position 776, C replaced by T.
Protein change: p.Thr259Ile; replaces threonine 259 with isoleucine.
Molecular consequence: missense variant.
Genome position (GRCh38, 1-based): chr7:35,240,916, G>A on the plus strand (C>T on the coding strand, the complement: TBX20 is on the minus strand). VCF-style: chr7-35240916-G-A. GRCh37 (hg19) VCF-style: chr7-35280528-G-A.
Other names: c.776C>T, p.Thr259Ile (NM_001166220.1); short protein forms T259I.
Identifiers: ClinVar variation 2806312 (VCV002806312.3), dbSNP rs2546993177, ClinGen allele CA367263959.